The following is an entry in ClinVar:

ClinVar aggregate classification (germline): Pathogenic (1 of 4 stars; one submission).

Conditions:
Hereditary breast ovarian cancer syndrome. Also called: Hereditary breast and ovarian cancer syndrome (HBOC); Hereditary breast and/or ovarian cancer syndrome; Hereditary breast and ovarian cancer; BRCA1- and BRCA2-Associated Hereditary Breast and Ovarian Cancer; Hereditary breast and ovarian cancer syndrome; Breast and ovarian cancer. Identifiers: Orphanet 145, MedGen C0677776, MeSH D061325, MONDO:0003582. Disease mechanism: loss of function.

Submission:

Labcorp Genetics (formerly Invitae), Labcorp
Classification: Pathogenic for Hereditary breast ovarian cancer syndrome. Last evaluated: 2021-07-17. Review status: criteria provided, single submitter. Criteria: Invitae Variant Classification Sherloc (09022015). Collection method: clinical testing. Allele origin: germline.
Comment: For these reasons, this variant has been classified as Pathogenic. Loss-of-function variants in BRCA1 are known to be pathogenic (PMID: 20104584). This variant has not been reported in the literature in individuals with BRCA1-related conditions. This variant is a gross deletion of the genomic region encompassing exon(s) 1-5 of the BRCA1 gene, which includes the initiator codon. The 5' end of this event is unknown as it extends beyond the assayed region for this gene and therefore may encompass additional genes. The 3' boundary is likely confined to intron 5 of the BRCA1 gene. This is expected to result in an absent or disrupted protein product.

Literature cited by the submitters: PubMed 20104584.

NC_000017.10:g.(?_41256865)_(41277500_?)del

Gene: BRCA1 (BRCA1 DNA repair associated; minus strand). Cytogenetic location: 17q21.31.
Variant type: Deletion.
Identifiers: ClinVar variation 1071180 (VCV001071180.3).